The following is an entry in ClinVar:

ClinVar aggregate classification (germline): Benign/Likely benign. Review status: criteria provided, multiple submitters, no conflicts (2 of 4 stars). 3 submissions from 3 submitters: Benign (1); Likely benign (2). Last evaluated 2025-01-02.

Conditions:
Hereditary cancer-predisposing syndrome. Also called: Tumor predisposition; Neoplastic Syndromes, Hereditary; Hereditary Cancer Syndrome; Hereditary neoplastic syndrome. Identifiers: Orphanet 140162, MedGen C0027672, MeSH D009386, MONDO:0015356.
Melanoma, cutaneous malignant, susceptibility to, 3. Also called: Cutaneous malignant melanoma 3. Identifiers: Orphanet 618, MedGen C1836892, MONDO:0012183, OMIM 609048.
Familial melanoma. Also called: Hereditary melanoma; Hereditary cutaneous melanoma. Identifiers: Orphanet 618, MedGen C1512419, MONDO:0018961.

Allele frequency attached by ClinVar (database versions not stated): gnomAD exomes below 0.00001.
gnomAD v4.1: 1 of 1,614,166 alleles (0.000062%); highest among the groups gnomAD compares: Non-Finnish European, 0.000085%; no homozygotes.

Submissions (3):

Labcorp Genetics (formerly Invitae), Labcorp
Classification: Likely benign for Familial melanoma. Last evaluated: 2025-01-02. Review status: criteria provided, single submitter. Criteria: Invitae Variant Classification Sherloc (09022015). Collection method: clinical testing. Allele origin: germline.

Myriad Genetics, Inc.
Classification: Benign for Melanoma, cutaneous malignant, susceptibility to, 3. Last evaluated: 2024-09-25. Review status: criteria provided, single submitter. Criteria: Myriad Autosomal Dominant, Autosomal Recessive and X-Linked Classification Criteria (2023). Collection method: clinical testing. Allele origin: unknown.
Comment: This variant is considered benign. This variant is a silent/synonymous amino acid change and it is not expected to impact splicing.

Ambry Genetics
Classification: Likely benign for Hereditary cancer-predisposing syndrome. Last evaluated: 2024-04-07. Review status: criteria provided, single submitter. Criteria: Ambry Variant Classification Scheme 2023. Collection method: clinical testing. Allele origin: germline.

NM_000075.4(CDK4):c.246A>C (p.Arg82=)

Gene: CDK4 (cyclin dependent kinase 4; minus strand). Cytogenetic location: 12q14.1.
Variant type: single nucleotide variant.
Coding change: c.246A>C on transcript NM_000075.4 (MANE Select); coding-DNA position 246, A replaced by C.
Protein change: p.Arg82=; no amino-acid change (arginine 82 retained).
Molecular consequence: synonymous variant.
Genome position (GRCh38, 1-based): chr12:57,751,315, T>G on the plus strand (A>C on the coding strand, the complement: CDK4 is on the minus strand). VCF-style: chr12-57751315-T-G. GRCh37 (hg19) VCF-style: chr12-58145098-T-G.
Other names: c.246A>C (NM_000075.3).
Identifiers: ClinVar variation 1455828 (VCV001455828.10), dbSNP rs2140387517, ClinGen allele CA480404623.